The following is an entry in ClinVar:

ClinVar aggregate classification (germline): Uncertain significance (1 of 4 stars; one submission).

Allele frequency attached by ClinVar (database versions not stated): TOPMed below 0.00001; gnomAD 0.00001; gnomAD exomes 0.00001.
gnomAD v4.1: 4 of 1,603,866 alleles (0.00025%); highest among the groups gnomAD compares: Admixed American, 0.0018%; no homozygotes.

Submissions (2):

Labcorp Genetics (formerly Invitae), Labcorp
Classification: Uncertain significance. Last evaluated: 2022-05-29. Review status: criteria provided, single submitter. Criteria: Invitae Variant Classification Sherloc (09022015). Collection method: clinical testing. Allele origin: germline.
Comment: This sequence change affects codon 146 of the DNAJC21 mRNA. It is a 'silent' change, meaning that it does not change the encoded amino acid sequence of the DNAJC21 protein. This variant also falls at the last nucleotide of exon 4, which is part of the consensus splice site for this exon. This variant is present in population databases (no rsID available, gnomAD 0.004%). This variant has not been reported in the literature in individuals affected with DNAJC21-related conditions. Variants that disrupt the consensus splice site are a relatively common cause of aberrant splicing (PMID: 17576681, 9536098). Algorithms developed to predict the effect of sequence changes on RNA splicing suggest that this variant is not likely to affect RNA splicing. In summary, the available evidence is currently insufficient to determine the role of this variant in disease. Therefore, it has been classified as a Variant of Uncertain Significance.

Dr. Peter K. Rogan Lab, Western University
No classification provided (evidence only). Condition: Uterine corpus endometrial carcinoma. Review status: no classification provided. Collection method: in vitro. Allele origin: not applicable. Functional consequence: skipped exon. Not counted in ClinVar's aggregate classification.

Literature cited by the submitters: PubMed 17576681 (cited by Labcorp Genetics (formerly Invitae), Labcorp); PubMed 9536098 (cited by Labcorp Genetics (formerly Invitae), Labcorp).

NM_001012339.3(DNAJC21):c.438G>A (p.Thr146=)

Gene: DNAJC21 (DnaJ heat shock protein family (Hsp40) member C21; plus strand). Cytogenetic location: 5p13.2.
Variant type: single nucleotide variant.
Coding change: c.438G>A on transcript NM_001012339.3 (MANE Select); coding-DNA position 438, G replaced by A.
Protein change: p.Thr146=; no amino-acid change (threonine 146 retained).
Molecular consequence: synonymous variant.
Genome position (GRCh38, 1-based): chr5:34,936,266, G>A. VCF-style: chr5-34936266-G-A. GRCh37 (hg19) VCF-style: chr5-34936371-G-A.
Other names: c.438G>A, p.Thr146= (NM_001348420.2, NM_194283.4).
Identifiers: ClinVar variation 1973664 (VCV001973664.3), dbSNP rs1331967583, ClinGen allele CA443885059.